The following is an entry in ClinVar:

NM_001271696.3(ABCB7):c.246+1G>A

Gene: ABCB7 (ATP binding cassette subfamily B member 7; minus strand). Cytogenetic location: Xq13.3.
Variant type: single nucleotide variant.
Coding change: c.246+1G>A on transcript NM_001271696.3 (MANE Select); the canonical splice donor site of the intron after coding-DNA position 246, G replaced by A.
Molecular consequence: splice donor variant. On other transcripts: intron variant (1).
Genome position (GRCh38, 1-based): chrX:75,114,753, C>T on the plus strand (G>A on the coding strand, the complement: ABCB7 is on the minus strand). VCF-style: chrX-75114753-C-T. GRCh37 (hg19) VCF-style: chrX-74334588-C-T.
Other names: c.169-1781G>A (NM_001271698.3); c.246+1G>A (NM_001271697.3); c.249+1G>A (NM_001271699.3, NM_004299.6).
Identifiers: ClinVar variation 213973 (VCV000213973.58), dbSNP rs61323727, ClinGen allele CA324423.

ClinVar aggregate classification (germline): Conflicting classifications of pathogenicity. Review status: criteria provided, conflicting classifications (1 of 4 stars). 5 submissions from 5 submitters: Uncertain significance (1); Benign (2). 2 of the submissions do not count toward it. Last evaluated 2026-02-01.

Conditions:
ABCB7-related disorder. Also called: ABCB7-related condition.

Allele frequency attached by ClinVar (database versions not stated): 1000 Genomes Project 0.00636; 1000 Genomes Project 30x 0.00708; ESP Exome Variant Server 0.01051; gnomAD exomes 0.01053 and 0.01525; gnomAD 0.01077 and 0.01089; ExAC 0.01127; TOPMed 0.01204.
gnomAD v4.1: 17,691 of 1,195,007 alleles (1.5%); highest among the groups gnomAD compares: Non-Finnish European, 1.8%; 118 homozygotes.

Submissions 1 to 31 of 83:

Labcorp Genetics (formerly Invitae), Labcorp
Classification: Benign. Last evaluated: 2026-02-01. Review status: criteria provided, single submitter. Criteria: Invitae Variant Classification Sherloc (09022015). Collection method: clinical testing. Allele origin: germline.

CeGaT Center for Human Genetics Tuebingen
Classification: Uncertain significance. Last evaluated: 2016-06-01. Review status: criteria provided, single submitter. Criteria: CeGaT Center For Human Genetics Tuebingen Variant Classification Criteria Version 2. Collection method: clinical testing. Allele origin: germline. Affected: yes. Observed: 1 variant allele.

GeneDx
Classification: Benign. Last evaluated: 2014-08-14. Review status: criteria provided, single submitter. Criteria: GeneDx Variant Classification (06012015). Collection method: clinical testing. Allele origin: germline. Affected: yes.
Comment: This variant is considered likely benign or benign based on one or more of the following criteria: it is a conservative change, it occurs at a poorly conserved position in the protein, it is predicted to be benign by multiple in silico algorithms, and/or has population frequency not consistent with disease.

PreventionGenetics, part of Exact Sciences
Classification: Likely benign for ABCB7-related condition. Last evaluated: 2020-01-23. Review status: no assertion criteria provided. Collection method: clinical testing. Allele origin: germline. Not counted in ClinVar's aggregate classification.
Comment: This variant is classified as likely benign based on ACMG/AMP sequence variant interpretation guidelines (Richards et al. 2015 PMID: 25741868, with internal and published modifications).

Mayo Clinic Laboratories, Mayo Clinic
Classification: Uncertain significance. Last evaluated: 2016-02-23. Review status: no assertion criteria provided. Collection method: clinical testing. Allele origin: unknown. Not counted in ClinVar's aggregate classification.

Dr. Peter K. Rogan Lab, Western University
No classification provided (evidence only). Condition: Clear cell carcinoma of kidney. Review status: no classification provided. Collection method: in vitro. Allele origin: not applicable. Functional consequence: skipped exon. Not counted in ClinVar's aggregate classification.

Dr. Peter K. Rogan Lab, Western University
No classification provided (evidence only). Condition: Clear cell carcinoma of kidney. Review status: no classification provided. Collection method: in vitro. Allele origin: not applicable. Functional consequence: skipped exon. Not counted in ClinVar's aggregate classification.

Dr. Peter K. Rogan Lab, Western University
No classification provided (evidence only). Condition: Clear cell carcinoma of kidney. Review status: no classification provided. Collection method: in vitro. Allele origin: not applicable. Functional consequence: skipped exon. Not counted in ClinVar's aggregate classification.

Dr. Peter K. Rogan Lab, Western University
No classification provided (evidence only). Condition: Clear cell carcinoma of kidney. Review status: no classification provided. Collection method: in vitro. Allele origin: not applicable. Functional consequence: skipped exon. Not counted in ClinVar's aggregate classification.

Dr. Peter K. Rogan Lab, Western University
No classification provided (evidence only). Condition: Clear cell carcinoma of kidney. Review status: no classification provided. Collection method: in vitro. Allele origin: not applicable. Functional consequence: skipped exon. Not counted in ClinVar's aggregate classification.

Dr. Peter K. Rogan Lab, Western University
No classification provided (evidence only). Condition: Clear cell carcinoma of kidney. Review status: no classification provided. Collection method: in vitro. Allele origin: not applicable. Functional consequence: skipped exon. Not counted in ClinVar's aggregate classification.

Dr. Peter K. Rogan Lab, Western University
No classification provided (evidence only). Condition: Clear cell carcinoma of kidney. Review status: no classification provided. Collection method: in vitro. Allele origin: not applicable. Functional consequence: skipped exon. Not counted in ClinVar's aggregate classification.

Dr. Peter K. Rogan Lab, Western University
No classification provided (evidence only). Condition: Clear cell carcinoma of kidney. Review status: no classification provided. Collection method: in vitro. Allele origin: not applicable. Functional consequence: skipped exon. Not counted in ClinVar's aggregate classification.

Dr. Peter K. Rogan Lab, Western University
No classification provided (evidence only). Condition: Clear cell carcinoma of kidney. Review status: no classification provided. Collection method: in vitro. Allele origin: not applicable. Functional consequence: skipped exon. Not counted in ClinVar's aggregate classification.

Dr. Peter K. Rogan Lab, Western University
No classification provided (evidence only). Condition: Lung cancer. Review status: no classification provided. Collection method: in vitro. Allele origin: not applicable. Functional consequence: skipped exon. Not counted in ClinVar's aggregate classification.

Dr. Peter K. Rogan Lab, Western University
No classification provided (evidence only). Condition: Lung cancer. Review status: no classification provided. Collection method: in vitro. Allele origin: not applicable. Functional consequence: skipped exon. Not counted in ClinVar's aggregate classification.

Dr. Peter K. Rogan Lab, Western University
No classification provided (evidence only). Condition: Lung cancer. Review status: no classification provided. Collection method: in vitro. Allele origin: not applicable. Functional consequence: skipped exon. Not counted in ClinVar's aggregate classification.

Dr. Peter K. Rogan Lab, Western University
No classification provided (evidence only). Condition: Melanoma. Review status: no classification provided. Collection method: in vitro. Allele origin: not applicable. Functional consequence: skipped exon. Not counted in ClinVar's aggregate classification.

Dr. Peter K. Rogan Lab, Western University
No classification provided (evidence only). Condition: Melanoma. Review status: no classification provided. Collection method: in vitro. Allele origin: not applicable. Functional consequence: skipped exon. Not counted in ClinVar's aggregate classification.

Dr. Peter K. Rogan Lab, Western University
No classification provided (evidence only). Condition: Melanoma. Review status: no classification provided. Collection method: in vitro. Allele origin: not applicable. Functional consequence: skipped exon. Not counted in ClinVar's aggregate classification.

Dr. Peter K. Rogan Lab, Western University
No classification provided (evidence only). Condition: Melanoma. Review status: no classification provided. Collection method: in vitro. Allele origin: not applicable. Functional consequence: skipped exon. Not counted in ClinVar's aggregate classification.

Dr. Peter K. Rogan Lab, Western University
No classification provided (evidence only). Condition: Melanoma. Review status: no classification provided. Collection method: in vitro. Allele origin: not applicable. Functional consequence: skipped exon. Not counted in ClinVar's aggregate classification.

Dr. Peter K. Rogan Lab, Western University
No classification provided (evidence only). Condition: Melanoma. Review status: no classification provided. Collection method: in vitro. Allele origin: not applicable. Functional consequence: skipped exon. Not counted in ClinVar's aggregate classification.

Dr. Peter K. Rogan Lab, Western University
No classification provided (evidence only). Condition: Melanoma. Review status: no classification provided. Collection method: in vitro. Allele origin: not applicable. Functional consequence: skipped exon. Not counted in ClinVar's aggregate classification.

Dr. Peter K. Rogan Lab, Western University
No classification provided (evidence only). Condition: Acute myeloid leukemia. Review status: no classification provided. Collection method: in vitro. Allele origin: not applicable. Functional consequence: skipped exon. Not counted in ClinVar's aggregate classification.

Dr. Peter K. Rogan Lab, Western University
No classification provided (evidence only). Condition: Acute myeloid leukemia. Review status: no classification provided. Collection method: in vitro. Allele origin: not applicable. Functional consequence: skipped exon. Not counted in ClinVar's aggregate classification.

Dr. Peter K. Rogan Lab, Western University
No classification provided (evidence only). Condition: Acute myeloid leukemia. Review status: no classification provided. Collection method: in vitro. Allele origin: not applicable. Functional consequence: skipped exon. Not counted in ClinVar's aggregate classification.

Dr. Peter K. Rogan Lab, Western University
No classification provided (evidence only). Condition: Acute myeloid leukemia. Review status: no classification provided. Collection method: in vitro. Allele origin: not applicable. Functional consequence: skipped exon, retained intron. Not counted in ClinVar's aggregate classification.

Dr. Peter K. Rogan Lab, Western University
No classification provided (evidence only). Condition: Colon adenocarcinoma. Review status: no classification provided. Collection method: in vitro. Allele origin: not applicable. Functional consequence: skipped exon. Not counted in ClinVar's aggregate classification.

Dr. Peter K. Rogan Lab, Western University
No classification provided (evidence only). Condition: Colon adenocarcinoma. Review status: no classification provided. Collection method: in vitro. Allele origin: not applicable. Functional consequence: skipped exon. Not counted in ClinVar's aggregate classification.

Dr. Peter K. Rogan Lab, Western University
No classification provided (evidence only). Condition: Colorectal cancer. Review status: no classification provided. Collection method: in vitro. Allele origin: not applicable. Functional consequence: skipped exon. Not counted in ClinVar's aggregate classification.